The following is an entry in ClinVar:

ClinVar aggregate classification (germline): Likely benign. Review status: criteria provided, single submitter (1 of 4 stars). 2 submissions from 2 submitters: Likely benign (1). 1 of the submissions does not count toward it. Last evaluated 2025-06-24.

Conditions:
EP300-related disorder. Also called: EP300-related disorders; EP300-related condition.
Rubinstein-Taybi syndrome due to EP300 haploinsufficiency. Also called: EP300-Related Rubinstein-Taybi Syndrome; RUBINSTEIN-TAYBI SYNDROME 2. Identifiers: Orphanet 353284, Orphanet 783, MedGen C3150941, MONDO:0013364, OMIM 613684.

Allele frequency attached by ClinVar (database versions not stated): ExAC 0.00001; gnomAD 0.00002; gnomAD exomes 0.00002; TOPMed 0.00002.
gnomAD v4.1: 38 of 1,613,828 alleles (0.0024%); highest among the groups gnomAD compares: East Asian, 0.0045%; no homozygotes.

Submissions (2):

Labcorp Genetics (formerly Invitae), Labcorp
Classification: Likely benign for Rubinstein-Taybi syndrome due to EP300 haploinsufficiency. Last evaluated: 2025-06-24. Review status: criteria provided, single submitter. Criteria: Invitae Variant Classification Sherloc (09022015). Collection method: clinical testing. Allele origin: germline.

PreventionGenetics, part of Exact Sciences
Classification: Uncertain significance for EP300-related condition. Last evaluated: 2024-09-11. Review status: no assertion criteria provided. Collection method: clinical testing. Allele origin: germline. Not counted in ClinVar's aggregate classification.
Comment: The EP300 c.2183G>A variant is predicted to result in the amino acid substitution p.Arg728Gln. To our knowledge, this variant has not been reported in the literature. This variant is reported in 0.015% of alleles in individuals of East Asian descent in gnomAD. At this time, the clinical significance of this variant is uncertain due to the absence of conclusive functional and genetic evidence.

NM_001429.4(EP300):c.2183G>A (p.Arg728Gln)

Gene: EP300 (EP300 lysine acetyltransferase; plus strand). Cytogenetic location: 22q13.2.
Variant type: single nucleotide variant.
Coding change: c.2183G>A on transcript NM_001429.4 (MANE Select); coding-DNA position 2183, G replaced by A.
Protein change: p.Arg728Gln; replaces arginine 728 with glutamine.
Molecular consequence: missense variant.
Genome position (GRCh38, 1-based): chr22:41,147,888, G>A. VCF-style: chr22-41147888-G-A. GRCh37 (hg19) VCF-style: chr22-41543892-G-A.
Other names: c.2105G>A, p.Arg702Gln (NM_001362843.2); c.2183G>A (NM_001429.3); short protein forms R702Q, R728Q.
Identifiers: ClinVar variation 2155421 (VCV002155421.6), dbSNP rs746729196, ClinGen allele CA10252775.
Genomic context (GRCh38, chr22:41,147,888, plus strand): 5'-TATTCACAGGTTTGAATCAATTTGGCCAGATGAGCATGGCCCAGCCCCCTATTGTACCCC[G>A]GCAAACCCCTCCTCTTCAGCACCATGGACAGTTGGCTCAACCTGGAGCTCTCAACCCGGT-3'
Protein context (NP_001420.2, residues 718-738): MSMAQPPIVP[Arg728Gln]QTPPLQHHGQ